The following is an entry in ClinVar:

ClinVar aggregate classification (germline): Uncertain significance (1 of 4 stars; one submission).

gnomAD v4.1: 1 of 1,613,988 alleles (0.000062%); no homozygotes.

Submission:

Ambry Genetics
Classification: Uncertain significance. Last evaluated: 2025-03-07. Review status: criteria provided, single submitter. Criteria: Ambry Variant Classification Scheme 2023. Collection method: clinical testing. Allele origin: germline.
Comment: The p.D517H variant (also known as c.1549G>C), located in coding exon 16 of the SRP72 gene, results from a G to C substitution at nucleotide position 1549. The aspartic acid at codon 517 is replaced by histidine, an amino acid with similar properties. This amino acid position is conserved. In addition, this alteration is predicted to be deleterious by in silico analysis. Based on the available evidence, the clinical significance of this variant remains unclear.

NM_006947.4(SRP72):c.1549G>C (p.Asp517His)

Gene: SRP72 (signal recognition particle 72; plus strand). Cytogenetic location: 4q12.
Variant type: single nucleotide variant.
Coding change: c.1549G>C on transcript NM_006947.4 (MANE Select); coding-DNA position 1549, G replaced by C.
Protein change: p.Asp517His; replaces aspartic acid 517 with histidine.
Molecular consequence: missense variant. On other transcripts: non-coding transcript variant (1).
Genome position (GRCh38, 1-based): chr4:56,491,477, G>C. VCF-style: chr4-56491477-G-C. GRCh37 (hg19) VCF-style: chr4-57357643-G-C.
Other names: c.1366G>C, p.Asp456His (NM_001267722.2); short protein forms D517H, D456H.
Identifiers: ClinVar variation 3801515 (VCV003801515.1).